The following is an entry in ClinVar:

ClinVar aggregate classification (germline): Uncertain significance (1 of 4 stars; one submission).

gnomAD v4.1: 3 of 1,558,472 alleles (0.00019%); highest among the groups gnomAD compares: Non-Finnish European, 0.00017%; no homozygotes.

Submission:

Labcorp Genetics (formerly Invitae), Labcorp
Classification: Uncertain significance. Last evaluated: 2025-02-24. Review status: criteria provided, single submitter. Criteria: Invitae Variant Classification Sherloc (09022015). Collection method: clinical testing. Allele origin: germline.
Comment: This sequence change replaces glutamic acid, which is acidic and polar, with alanine, which is neutral and non-polar, at codon 710 of the NAA15 protein (p.Glu710Ala). This variant is not present in population databases (gnomAD no frequency). This variant has not been reported in the literature in individuals affected with NAA15-related conditions. An algorithm developed to predict the effect of missense changes on protein structure and function (PolyPhen-2) suggests that this variant is likely to be tolerated. In summary, the available evidence is currently insufficient to determine the role of this variant in disease. Therefore, it has been classified as a Variant of Uncertain Significance.

NM_057175.5(NAA15):c.2129A>C (p.Glu710Ala)

Gene: NAA15 (N-alpha-acetyltransferase 15, NatA auxiliary subunit; plus strand). Cytogenetic location: 4q31.1.
Variant type: single nucleotide variant.
Coding change: c.2129A>C on transcript NM_057175.5 (MANE Select); coding-DNA position 2129, A replaced by C.
Protein change: p.Glu710Ala; replaces glutamic acid 710 with alanine.
Molecular consequence: missense variant.
Genome position (GRCh38, 1-based): chr4:139,378,828, A>C. VCF-style: chr4-139378828-A-C. GRCh37 (hg19) VCF-style: chr4-140299982-A-C.
Other names: c.2129A>C, p.Glu710Ala (NM_001410842.1); short protein forms E710A.
Identifiers: ClinVar variation 3649657 (VCV003649657.2).
Genomic context (GRCh38, chr4:139,378,828, plus strand): 5'-TGATGCTACAATCAGTAAAGAGGGCATTTGCTATTGATTCTAGTCATCCCTGGCTTCATG[A>C]GTGTATGATTCGTCTCTTTAATACTGGTATGTTTTTGTTTTCCATTACTTAAGTATTTGA-3'
Protein context (NP_476516.1, residues 700-720): AIDSSHPWLH[Glu710Ala]CMIRLFNTAV